The following is an entry in ClinVar:

NM_001953.5(TYMP):c.163_164del (p.Arg55fs)

Gene: TYMP (thymidine phosphorylase; minus strand). Cytogenetic location: 22q13.33.
Variant type: Deletion.
Coding change: c.163_164del on transcript NM_001953.5 (MANE Select); coding-DNA positions 163 to 164, 2 bases deleted (AG; older notation c.163_164delAG).
Protein change: p.Arg55fs; shifts the reading frame from arginine 55.
Molecular consequence: frameshift variant.
Genome position (GRCh38, 1-based): chr22:50,529,546-50,529,547, CT deleted on the plus strand (AG on the coding strand, the reverse complement: TYMP is on the minus strand). VCF-style (leftmost placement, unchanged base first): chr22-50529545-CCT-C. GRCh37 (hg19) VCF-style: chr22-50967974-CCT-C.
Other names: c.163_164del, p.Arg55fs (NM_001113755.3, NM_001113756.3, NM_001257988.1 and 1 more transcripts); short protein forms R55fs.
Identifiers: ClinVar variation 4814986 (VCV004814986.1).
Genomic context (GRCh38, chr22:50,529,545, plus strand): 5'-TCCCCACGCACCGATCTGTGCGCCCTGCGCGCTCCCATTCACCACAGCGGCCACGAAGCC[CCT>C]GATGTCCGCTTCGCTCAGGCGGCCTCCGTCTCGCTTCATGCGGATCAGCTCCGGGAGCTG-3'

ClinVar aggregate classification (germline): Likely pathogenic (1 of 4 stars; one submission).

Conditions:
Mitochondrial neurogastrointestinal encephalomyopathy. Also called: Mitochondrial neurogastrointestinal encephalopathy syndrome; MNGIE syndrome; Thymidine phosphorylase deficiency. Identifiers: Orphanet 298, MedGen C0872218, MONDO:0017575.

Submission:

Natera, Inc.
Classification: Likely pathogenic for Mitochondrial neurogastrointestinal encephalomyopathy. Last evaluated: 2024-06-21. Review status: criteria provided, single submitter. Criteria: Natera Variant Classification Schema (03/2026). Collection method: clinical testing. Allele origin: germline.
Comment: The c.163_164delAG variant in TYMP is a frameshift variant predicted to shift the reading frame beginning at codon 55 and leads to a stop codon 68 codons downstream. This variant is expected to result in nonsense mediated decay, truncation, or a dysfunctional protein product. This variant is rare in the general population with a frequency below the threshold expected for the associated phenotype(s). Given the available evidence, this variant is classified as Likely Pathogenic.